The following is an entry in ClinVar:

ClinVar aggregate classification (germline): Uncertain significance (1 of 4 stars; one submission).

Allele frequency attached by ClinVar (database versions not stated): gnomAD exomes below 0.00001.
gnomAD v4.1: 1 of 1,548,954 alleles (0.000065%); highest among the groups gnomAD compares: East Asian, 0.0023%; no homozygotes.

Submission:

Labcorp Genetics (formerly Invitae), Labcorp
Classification: Uncertain significance. Last evaluated: 2019-01-08. Review status: criteria provided, single submitter. Criteria: Invitae Variant Classification Sherloc (09022015). Collection method: clinical testing. Allele origin: germline.
Comment: This sequence change replaces aspartic acid with glutamic acid at codon 734 of the KCNH1 protein (p.Asp734Glu). The aspartic acid residue is highly conserved and there is a small physicochemical difference between aspartic acid and glutamic acid. In summary, the available evidence is currently insufficient to determine the role of this variant in disease. Therefore, it has been classified as a Variant of Uncertain Significance. Algorithms developed to predict the effect of missense changes on protein structure and function are either unavailable or do not agree on the potential impact of this missense change (SIFT: "Deleterious"; PolyPhen-2: "Benign"; Align-GVGD: "Class C0"). This variant has not been reported in the literature in individuals with KCNH1-related conditions. This variant is not present in population databases (ExAC no frequency).

NM_172362.3(KCNH1):c.2202C>A (p.Asp734Glu)

Gene: KCNH1 (potassium voltage-gated channel subfamily H member 1; minus strand). Cytogenetic location: 1q32.2.
Variant type: single nucleotide variant.
Coding change: c.2202C>A on transcript NM_172362.3 (MANE Select); coding-DNA position 2202, C replaced by A.
Protein change: p.Asp734Glu; replaces aspartic acid 734 with glutamic acid.
Molecular consequence: missense variant.
Genome position (GRCh38, 1-based): chr1:210,684,049, G>T on the plus strand (C>A on the coding strand, the complement: KCNH1 is on the minus strand). VCF-style: chr1-210684049-G-T. GRCh37 (hg19) VCF-style: chr1-210857391-G-T.
Other names: c.2121C>A, p.Asp707Glu (NM_002238.4); short protein forms D734E, D707E.
Identifiers: ClinVar variation 852617 (VCV000852617.9), dbSNP rs1226108094, ClinGen allele CA344871659.